The following is an entry in ClinVar:

NR_197388.1(MIR17HG):n.274T>A

Gene: MIR17HG (miR-17-92a-1 cluster host gene; plus strand). Cytogenetic location: 13q31.3.
Variant type: single nucleotide variant.
Molecular consequence: non-coding transcript variant (on NR_197388.1).
Genome position: GRCh38 VCF-style: chr13-91349698-T-A. GRCh37 (hg19) VCF-style: chr13-92001952-T-A.
Identifiers: ClinVar variation 4988777 (VCV004988777.1).

ClinVar aggregate classification (germline): Likely benign (1 of 4 stars; one submission).

Conditions:
MIR17HG-related disorder. Also called: MIR17HG-related condition.

gnomAD v4.1: 240 of 152,312 alleles (0.16%); highest among the groups gnomAD compares: African/African-American, 0.53%; 1 homozygote.

Submission:

PreventionGenetics, part of Exact Sciences
Classification: Likely benign for MIR17HG-related condition. Last evaluated: 2026-03-14. Review status: criteria provided, single submitter. Criteria: ACMG Guidelines, 2015. Collection method: clinical testing. Allele origin: germline.
Comment: This variant is classified as likely benign based on ACMG/AMP sequence variant interpretation guidelines (Richards et al. 2015 PMID: 25741868, with internal and published modifications).